The following is an entry in ClinVar:

NM_006734.4(HIVEP2):c.4100G>A (p.Cys1367Tyr)

Gene: HIVEP2 (HIVEP zinc finger 2; minus strand). Cytogenetic location: 6q24.2.
Variant type: single nucleotide variant.
Coding change: c.4100G>A on transcript NM_006734.4 (MANE Select); coding-DNA position 4100, G replaced by A.
Protein change: p.Cys1367Tyr; replaces cysteine 1367 with tyrosine.
Molecular consequence: missense variant.
Genome position (GRCh38, 1-based): chr6:142,770,639, C>T on the plus strand (G>A on the coding strand, the complement: HIVEP2 is on the minus strand). VCF-style: chr6-142770639-C-T. GRCh37 (hg19) VCF-style: chr6-143091776-C-T.
Other names: short protein forms C1367Y.
Identifiers: ClinVar variation 3656560 (VCV003656560.2).
Genomic context (GRCh38, chr6:142,770,639, plus strand): 5'-ATCCCTTGCATGGCTGCGTTGGTGACCAGTGTCCTTTGGGTCATATTCTCATCGACTTTG[C>T]ATATGACAATGGCAGGGCTATTCTGCCCAAGTATCTGAGAAATGCTTGTGTACATGACAC-3'
Protein context (NP_006725.3, residues 1357-1377): LGQNSPAIVI[Cys1367Tyr]KVDENMTQRT

ClinVar aggregate classification (germline): Uncertain significance (1 of 4 stars; one submission).

Submission:

Labcorp Genetics (formerly Invitae), Labcorp
Classification: Uncertain significance. Last evaluated: 2024-06-13. Review status: criteria provided, single submitter. Criteria: Invitae Variant Classification Sherloc (09022015). Collection method: clinical testing. Allele origin: germline.
Comment: This sequence change replaces cysteine, which is neutral and slightly polar, with tyrosine, which is neutral and polar, at codon 1367 of the HIVEP2 protein (p.Cys1367Tyr). This variant is not present in population databases (gnomAD no frequency). This variant has not been reported in the literature in individuals affected with HIVEP2-related conditions. Advanced modeling of protein sequence and biophysical properties (such as structural, functional, and spatial information, amino acid conservation, physicochemical variation, residue mobility, and thermodynamic stability) performed at Invitae indicates that this missense variant is expected to disrupt HIVEP2 protein function with a positive predictive value of 80%. In summary, the available evidence is currently insufficient to determine the role of this variant in disease. Therefore, it has been classified as a Variant of Uncertain Significance.